The following is an entry in ClinVar:

NM_021098.3(CACNA1H):c.4162G>A (p.Gly1388Ser)

Gene: CACNA1H (calcium voltage-gated channel subunit alpha1 H; plus strand). Cytogenetic location: 16p13.3.
Variant type: single nucleotide variant.
Coding change: c.4162G>A on transcript NM_021098.3 (MANE Select); coding-DNA position 4162, G replaced by A.
Protein change: p.Gly1388Ser; replaces glycine 1388 with serine.
Molecular consequence: missense variant.
Genome position (GRCh38, 1-based): chr16:1,210,910, G>A. VCF-style: chr16-1210910-G-A. GRCh37 (hg19) VCF-style: chr16-1260910-G-A.
Other names: c.4162G>A, p.Gly1388Ser (NM_001005407.2); short protein forms G1388S.
Identifiers: ClinVar variation 1719623 (VCV001719623.5), dbSNP rs2548702223, ClinGen allele CA394178000.

ClinVar aggregate classification (germline): Uncertain significance (1 of 4 stars; one submission).

Conditions:
Hyperaldosteronism, familial, type IV (HALD4). Also called: FH IV; ALDOSTERONISM, PRIMARY, AND HYPERTENSION. Identifiers: Orphanet 642671, MedGen C4310756, MONDO:0014875, OMIM 617027.
Idiopathic generalized epilepsy. Also called: EIG; Generalised epilepsy. Identifiers: MedGen C0270850, MONDO:0005579, OMIM 600669.

Allele frequency attached by ClinVar (database versions not stated): gnomAD exomes below 0.00001.

Submission:

Labcorp Genetics (formerly Invitae), Labcorp
Classification: Uncertain significance for Idiopathic generalized epilepsy; Hyperaldosteronism, familial, type IV. Last evaluated: 2022-10-17. Review status: criteria provided, single submitter. Criteria: Invitae Variant Classification Sherloc (09022015). Collection method: clinical testing. Allele origin: germline.
Comment: In summary, the available evidence is currently insufficient to determine the role of this variant in disease. Therefore, it has been classified as a Variant of Uncertain Significance. Advanced modeling of protein sequence and biophysical properties (such as structural, functional, and spatial information, amino acid conservation, physicochemical variation, residue mobility, and thermodynamic stability) performed at Invitae indicates that this missense variant is not expected to disrupt CACNA1H protein function. This variant has not been reported in the literature in individuals affected with CACNA1H-related conditions. This variant is not present in population databases (gnomAD no frequency). This sequence change replaces glycine, which is neutral and non-polar, with serine, which is neutral and polar, at codon 1388 of the CACNA1H protein (p.Gly1388Ser).